The following is an entry in ClinVar:

ClinVar aggregate classification (germline): Likely benign. Review status: criteria provided, single submitter (1 of 4 stars). 2 submissions from 2 submitters: Likely benign (1). 1 of the submissions does not count toward it. Last evaluated 2022-06-01.

Conditions:
UBR4-related disorder. Also called: UBR4-related condition.

Allele frequency attached by ClinVar (database versions not stated): ESP Exome Variant Server 0.00023; ExAC 0.00025; gnomAD 0.00029; TOPMed 0.00032; gnomAD exomes 0.00039; 1000 Genomes Project 30x 0.00047; 1000 Genomes Project 0.00060.
gnomAD v4.1: 607 of 1,614,184 alleles (0.038%); highest among the groups gnomAD compares: Admixed American, 0.067%; no homozygotes.

Submissions (2):

CeGaT Center for Human Genetics Tuebingen
Classification: Likely benign. Last evaluated: 2022-06-01. Review status: criteria provided, single submitter. Criteria: CeGaT Center For Human Genetics Tuebingen Variant Classification Criteria Version 2. Collection method: clinical testing. Allele origin: germline. Affected: yes. Observed: 1 variant allele.
Comment: UBR4: BP4, BP7

PreventionGenetics, part of Exact Sciences
Classification: Likely benign for UBR4-related condition. Last evaluated: 2020-02-04. Review status: no assertion criteria provided. Collection method: clinical testing. Allele origin: germline. Not counted in ClinVar's aggregate classification.
Comment: This variant is classified as likely benign based on ACMG/AMP sequence variant interpretation guidelines (Richards et al. 2015 PMID: 25741868, with internal and published modifications).

NM_020765.3(UBR4):c.9300C>T (p.His3100=)

Gene: UBR4 (ubiquitin protein ligase E3 component n-recognin 4; minus strand). Cytogenetic location: 1p36.13.
Variant type: single nucleotide variant.
Coding change: c.9300C>T on transcript NM_020765.3 (MANE Select); coding-DNA position 9300, C replaced by T.
Protein change: p.His3100=; no amino-acid change (histidine 3100 retained).
Molecular consequence: synonymous variant.
Genome position (GRCh38, 1-based): chr1:19,126,584, G>A on the plus strand (C>T on the coding strand, the complement: UBR4 is on the minus strand). VCF-style: chr1-19126584-G-A. GRCh37 (hg19) VCF-style: chr1-19453078-G-A.
Other names: c.9300C>T (NM_020765.2).
Identifiers: ClinVar variation 2638418 (VCV002638418.25), dbSNP rs374619317, ClinGen allele CA649476.